The following is an entry in ClinVar:

ClinVar aggregate classification (germline): Uncertain significance. Review status: criteria provided, multiple submitters, no conflicts (2 of 4 stars). 2 submissions from 2 submitters: Uncertain significance (2). Last evaluated 2026-07-28.

Conditions:
Renal cell carcinoma. Identifiers: Orphanet 217071, MedGen C0007134, MeSH D002292, MONDO:0005086, HP:0005584.
Hereditary cancer-predisposing syndrome. Also called: Tumor predisposition; Hereditary neoplastic syndrome; Neoplastic Syndromes, Hereditary; Hereditary Cancer Syndrome. Identifiers: Orphanet 140162, MedGen C0027672, MeSH D009386, MONDO:0015356.

Submissions (2):

Ambry Genetics
Classification: Uncertain significance for Hereditary cancer-predisposing syndrome. Last evaluated: 2026-07-28. Review status: criteria provided, single submitter. Criteria: Ambry Variant Classification Scheme 2023. Collection method: clinical testing. Allele origin: germline.
Comment: The p.L622W variant (also known as c.1865T>G), located in coding exon 6 of the MET gene, results from a T to G substitution at nucleotide position 1865. The leucine at codon 622 is replaced by tryptophan, an amino acid with similar properties. This amino acid position is highly conserved in available vertebrate species. In addition, this alteration is predicted to be deleterious by in silico analysis. Based on the available evidence, the clinical significance of this variant remains unclear.

Labcorp Genetics (formerly Invitae), Labcorp
Classification: Uncertain significance for Renal cell carcinoma. Last evaluated: 2019-03-04. Review status: criteria provided, single submitter. Criteria: Invitae Variant Classification Sherloc (09022015). Collection method: clinical testing. Allele origin: germline.
Comment: This sequence change replaces leucine with tryptophan at codon 622 of the MET protein (p.Leu622Trp). The leucine residue is highly conserved and there is a small physicochemical difference between leucine and tryptophan. This variant is not present in population databases (ExAC no frequency). In summary, the available evidence is currently insufficient to determine the role of this variant in disease. Therefore, it has been classified as a Variant of Uncertain Significance. Algorithms developed to predict the effect of missense changes on protein structure and function are either unavailable or do not agree on the potential impact of this missense change (SIFT: "Deleterious"; PolyPhen-2: "Probably Damaging"; Align-GVGD: "Class C0"). This variant has not been reported in the literature in individuals with MET-related conditions.

NM_000245.4(MET):c.1865T>G (p.Leu622Trp)

Gene: MET (MET proto-oncogene, receptor tyrosine kinase; plus strand). Cytogenetic location: 7q31.2.
Variant type: single nucleotide variant.
Coding change: c.1865T>G on transcript NM_000245.4 (MANE Select); coding-DNA position 1865, T replaced by G.
Protein change: p.Leu622Trp; replaces leucine 622 with tryptophan.
Molecular consequence: missense variant.
Genome position (GRCh38, 1-based): chr7:116,757,439, T>G. VCF-style: chr7-116757439-T-G. GRCh37 (hg19) VCF-style: chr7-116397493-T-G.
Other names: c.1865T>G, p.Leu622Trp (NM_001127500.3, NM_001324401.3); c.575T>G, p.Leu192Trp (NM_001324402.2); short protein forms L622W, L192W.
Identifiers: ClinVar variation 861974 (VCV000861974.13), dbSNP rs1794220084, ClinGen allele CA368979197.